The following is an entry in ClinVar:

ClinVar aggregate classification (germline): Conflicting classifications of pathogenicity. Review status: criteria provided, conflicting classifications (1 of 4 stars). 2 submissions from 2 submitters: Uncertain significance (1); Likely benign (1). Last evaluated 2026-03-03.

Conditions:
Hereditary cancer-predisposing syndrome. Also called: Hereditary Cancer Syndrome; Neoplastic Syndromes, Hereditary; Tumor predisposition; Hereditary neoplastic syndrome. Identifiers: Orphanet 140162, MedGen C0027672, MeSH D009386, MONDO:0015356.

Submissions (2):

Ambry Genetics
Classification: Uncertain significance for Hereditary cancer-predisposing syndrome. Last evaluated: 2026-03-03. Review status: criteria provided, single submitter. Criteria: Ambry Variant Classification Scheme 2023. Collection method: clinical testing. Allele origin: germline.
Comment: The p.Y1202C variant (also known as c.3605A>G), located in coding exon 9 of the BRCA1 gene, results from an A to G substitution at nucleotide position 3605. The tyrosine at codon 1202 is replaced by cysteine, an amino acid with highly dissimilar properties. This amino acid position is poorly conserved in available vertebrate species. In addition, this alteration is predicted to be tolerated by in silico analysis. Based on the available evidence, the clinical significance of this variant remains unclear.

Molecular Diagnostics Laboratory, Catalan Institute of Oncology
Classification: Likely benign for Hereditary cancer-predisposing syndrome. Last evaluated: 2024-09-08. Review status: criteria provided, single submitter. Criteria: ClinGen BRCA1BRCA2 ACMG Specifications BRCA1 V1.0.0. Collection method: clinical testing. Allele origin: germline.
Comment: PM2_Supporting, BP1_Strong The c.3605A>G variant, located in exon 10 (11 according BIC nomenclature) of the BRCA1 gene, is predicted to result in the substitution of tyrosine by cysteine at codon 1202, p.(Tyr1202Cys). This position is outside a (potentially) clinically important functional domain and, moreover, the SpliceAI algorithm predicts no significant impact on splicing (BP1_strong). It is not present in the population database gnomAD v2.1.1, non cancer dataset (PM2_supporting). To our knowledge, neither relevant clinical data nor well-stablished functional studies have been reported for this variant. In addition, the variant has not been identified either in the ClinVar, BRCA Exchange, or LOVD databases. Based on currently available information, c.3605A>G should be considered a likely benign variant.

NM_007294.4(BRCA1):c.3605A>G (p.Tyr1202Cys)

Genes: BRCA1 (BRCA1 DNA repair associated; minus strand), LOC126862571 (BRD4-independent group 4 enhancer GRCh37_chr17:41243136-41244335; plus strand). Cytogenetic location: 17q21.31.
Variant type: single nucleotide variant.
Coding change: c.3605A>G on transcript NM_007294.4 (MANE Select); coding-DNA position 3605, A replaced by G.
Protein change: p.Tyr1202Cys; replaces tyrosine 1202 with cysteine.
Molecular consequence: missense variant. On other transcripts: intron variant (135).
Genome position (GRCh38, 1-based): chr17:43,091,926, T>C on the plus strand (A>G on the coding strand, the complement: BRCA1 is on the minus strand). VCF-style: chr17-43091926-T-C. GRCh37 (hg19) VCF-style: chr17-41243943-T-C.
Other names: c.788-894A>G (NM_001407974.1, NM_001407973.1, NM_001408403.1 and 17 more transcripts); c.578-894A>G (NM_001408492.1, NM_001408513.1, NM_001408489.1 and 9 more transcripts); c.644-894A>G (NM_001408468.1, NM_001408465.1, NM_001408463.1 and 3 more transcripts); c.524-894A>G (NM_001408501.1, NM_001408500.1, NM_001408497.1 and 3 more transcripts); c.647-894A>G (NM_001408455.1, NM_001408466.1, NM_001408452.1 and 11 more transcripts); c.521-894A>G (NM_001408503.1, NM_001408505.1, NM_001408504.1); c.404-894A>G (NM_001408511.1); c.461-894A>G (NM_001408507.1, NM_001408506.1); and 41 more; short protein forms Y1034C, Y1074C, Y1075C, Y1090C, Y1091C, Y1113C, Y1114C, Y1131C.
Identifiers: ClinVar variation 3774437 (VCV003774437.2).